The following is an entry in ClinVar:

NM_152564.5(VPS13B):c.11903A>G (p.Tyr3968Cys)

Gene: VPS13B (vacuolar protein sorting 13 homolog B; plus strand). Cytogenetic location: 8q22.2.
Variant type: single nucleotide variant.
Coding change: c.11903A>G on transcript NM_152564.5 (MANE Select); coding-DNA position 11903, A replaced by G.
Protein change: p.Tyr3968Cys; replaces tyrosine 3968 with cysteine.
Molecular consequence: missense variant.
Genome position (GRCh38, 1-based): chr8:99,875,575, A>G. VCF-style: chr8-99875575-A-G. GRCh37 (hg19) VCF-style: chr8-100887803-A-G.
Other names: c.11978A>G, p.Tyr3993Cys (NM_017890.5); short protein forms Y3968C, Y3993C.
Identifiers: ClinVar variation 5018866 (VCV005018866.2).

ClinVar aggregate classification (germline): Uncertain significance (1 of 4 stars; one submission).

Conditions:
Cohen syndrome (COH1). Also called: PEPPER SYNDROME; Cutis verticis gyrata, retinitis pigmentosa, and sensorineural deafness. Identifiers: Orphanet 193, MedGen C0265223, MONDO:0008999, OMIM 216550.

gnomAD v4.1: 1 of 1,614,154 alleles (0.000062%); highest among the groups gnomAD compares: Non-Finnish European, 0.000085%; no homozygotes.

Submission:

Juno Genomics, Hangzhou Juno Genomics, Inc
Classification: Uncertain significance for Cohen syndrome. Review status: criteria provided, single submitter. Criteria: ACMG Guidelines, 2015. Collection method: clinical testing. Allele origin: germline.
Comment: Absent from controls (or at extremely low frequency if recessive) in Genome Aggregation Database.;Multiple lines of computational evidence support a deleterious effect on the gene or gene product.;Patient's phenotype or family history is highly specific for a disease with a single genetic etiology.